The following is an entry in ClinVar:

NM_001128225.3(SLC39A13):c.-9+3G>T

Genes: SLC39A13 (solute carrier family 39 member 13; plus strand), SLC39A13-AS1 (SLC39A13 antisense RNA 1; minus strand). Cytogenetic location: 11p11.2.
Variant type: single nucleotide variant.
Coding change: c.-9+3G>T on transcript NM_001128225.3 (MANE Select); 3 bases into the intron after 9 bases upstream of the start codon, G replaced by T.
Molecular consequence: intron variant.
Genome position (GRCh38, 1-based): chr11:47,408,665, G>T. VCF-style: chr11-47408665-G-T. GRCh37 (hg19) VCF-style: chr11-47430216-G-T.
Other names: c.-30+3G>T (NM_152264.5); c.-9+3G>T (NM_001330245.2).
Identifiers: ClinVar variation 432424 (VCV000432424.2), dbSNP rs920033870, ClinGen allele CA645372514.

ClinVar aggregate classification (germline): Uncertain significance (1 of 4 stars; one submission).

Submission:

GeneDx
Classification: Uncertain significance. Last evaluated: 2017-05-30. Review status: criteria provided, single submitter. Criteria: GeneDx Variant Classification (06012015). Collection method: clinical testing. Allele origin: germline. Affected: yes.
Comment: The c.-30+3 G>T variant of uncertain significance in the SLC39A13 gene has not been published as pathogenic or been reported as benign to our knowledge. This variant is located in intron 1 of the 5' untranslated region of the SLC39A13 gene, which is the non-coding region upstream of the start codon located in exon 2. Specifically, this variant occurs in the natural splice donor site of intron 1, at a nucleotide that is conserved in mammals. However, in silico splice algorithms predict that this variant likely does not alter splicing. Additionally, no other regulatory or splice site variants in the SLC39A13 gene have been reported in HGMD in association with spEDS to date (Stenson et al., 2014). Nevertheless, in the absence of functional mRNA studies, the physiological consequence of this variant cannot be precisely determined. Furthermore, data from control individuals was not available to assess whether c.-30+3 G>T may be a common benign variant in the general population.Therefore, based on the currently available information, it is unclear whether this variant is pathogenic or rare benign.